The following is an entry in ClinVar:

ClinVar aggregate classification (germline): Uncertain significance. Review status: criteria provided, multiple submitters, no conflicts (2 of 4 stars). 2 submissions from 2 submitters: Uncertain significance (2). Last evaluated 2024-06-19.

Conditions:
Inborn genetic diseases. Identifiers: MedGen C0950123, MeSH D030342.

Allele frequency attached by ClinVar (database versions not stated): TOPMed below 0.00001.

Submissions (2):

Ambry Genetics
Classification: Uncertain significance for Inborn genetic diseases. Last evaluated: 2024-06-19. Review status: criteria provided, single submitter. Criteria: Ambry Variant Classification Scheme 2023. Collection method: clinical testing. Allele origin: germline.

Labcorp Genetics (formerly Invitae), Labcorp
Classification: Uncertain significance. Last evaluated: 2024-03-11. Review status: criteria provided, single submitter. Criteria: Invitae Variant Classification Sherloc (09022015). Collection method: clinical testing. Allele origin: germline.
Comment: This sequence change replaces lysine, which is basic and polar, with glutamic acid, which is acidic and polar, at codon 101 of the IFT27 protein (p.Lys101Glu). This variant is not present in population databases (gnomAD no frequency). This variant has not been reported in the literature in individuals affected with IFT27-related conditions. ClinVar contains an entry for this variant (Variation ID: 1474707). Advanced modeling of protein sequence and biophysical properties (such as structural, functional, and spatial information, amino acid conservation, physicochemical variation, residue mobility, and thermodynamic stability) performed at Invitae indicates that this missense variant is not expected to disrupt IFT27 protein function with a negative predictive value of 95%. In summary, the available evidence is currently insufficient to determine the role of this variant in disease. Therefore, it has been classified as a Variant of Uncertain Significance.

NM_001177701.3(IFT27):c.304A>G (p.Lys102Glu)

Genes: CACNG2-DT (CACNG2 divergent transcript; plus strand), IFT27 (intraflagellar transport 27; minus strand). Cytogenetic location: 22q12.3.
Variant type: single nucleotide variant.
Coding change: c.304A>G on transcript NM_001177701.3 (MANE Select); coding-DNA position 304, A replaced by G.
Protein change: p.Lys102Glu; replaces lysine 102 with glutamic acid.
Molecular consequence: missense variant.
Genome position (GRCh38, 1-based): chr22:36,763,967, T>C on the plus strand (A>G on the coding strand, the complement: IFT27 is on the minus strand). VCF-style: chr22-36763967-T-C. GRCh37 (hg19) VCF-style: chr22-37160011-T-C.
Other names: c.304A>G, p.Lys102Glu (NM_001363003.2); c.301A>G, p.Lys101Glu (NM_006860.5); c.304A>G (NM_001177701.1); short protein forms K101E, K102E.
Identifiers: ClinVar variation 1474707 (VCV001474707.9), dbSNP rs1938169204, ClinGen allele CA411382865.
Genomic context (GRCh38, chr22:36,763,967, plus strand): 5'-TGCAGCCCGTACCTGGGAGAGAGATGCCTGGAGCCTGTGACCGAGCCTTCTCCAGCCACT[T>C]GCTGCAGTTGTTGAAGGATTCTTCATTGGTCACATCATAGACGAGACATAAGACATTGGG-3'
Protein context (NP_001171172.1, residues 92-112): TNEESFNNCS[Lys102Glu]WLEKARSQAP